The following is an entry in ClinVar:

NM_001372.4(DNAH9):c.4919G>A (p.Arg1640Gln)

Genes: DNAH9 (dynein axonemal heavy chain 9; plus strand), LOC126862506 (BRD4-independent group 4 enhancer GRCh37_chr17:11602804-11604003; plus strand). Cytogenetic location: 17p12.
Variant type: single nucleotide variant.
Coding change: c.4919G>A on transcript NM_001372.4 (MANE Select); coding-DNA position 4919, G replaced by A.
Protein change: p.Arg1640Gln; replaces arginine 1640 with glutamine.
Molecular consequence: missense variant.
Genome position (GRCh38, 1-based): chr17:11,699,777, G>A. VCF-style: chr17-11699777-G-A. GRCh37 (hg19) VCF-style: chr17-11603094-G-A.
Other names: short protein forms R1640Q.
Identifiers: ClinVar variation 1389270 (VCV001389270.6), dbSNP rs148112724, ClinGen allele CA8395850.

ClinVar aggregate classification (germline): Conflicting classifications of pathogenicity. Review status: criteria provided, conflicting classifications (1 of 4 stars). 2 submissions from 2 submitters: Uncertain significance (1); Likely benign (1). Last evaluated 2023-02-22.

Allele frequency attached by ClinVar (database versions not stated): gnomAD 0.00010; ESP Exome Variant Server 0.00015; 1000 Genomes Project 30x 0.00016; 1000 Genomes Project 0.00020.
gnomAD v4.1: 38 of 1,614,152 alleles (0.0024%); highest among the groups gnomAD compares: Admixed American, 0.015%; no homozygotes.

Submissions (2):

Blueprint Genetics
Classification: Likely benign. Last evaluated: 2023-02-22. Review status: criteria provided, single submitter. Criteria: ACMG Guidelines, 2015. Collection method: clinical testing. Allele origin: germline.

Labcorp Genetics (formerly Invitae), Labcorp
Classification: Uncertain significance. Last evaluated: 2021-08-14. Review status: criteria provided, single submitter. Criteria: Invitae Variant Classification Sherloc (09022015). Collection method: clinical testing. Allele origin: germline.
Comment: This sequence change replaces arginine with glutamine at codon 1640 of the DNAH9 protein (p.Arg1640Gln). The arginine residue is weakly conserved and there is a small physicochemical difference between arginine and glutamine. This variant is present in population databases (rs148112724, ExAC 0.02%). This variant has not been reported in the literature in individuals affected with DNAH9-related conditions. Algorithms developed to predict the effect of missense changes on protein structure and function output the following: SIFT: "Tolerated"; PolyPhen-2: "Benign"; Align-GVGD: "Class C0". The glutamine amino acid residue is found in multiple mammalian species, which suggests that this missense change does not adversely affect protein function. In summary, the available evidence is currently insufficient to determine the role of this variant in disease. Therefore, it has been classified as a Variant of Uncertain Significance.